The following is an entry in ClinVar:

NM_000059.4(BRCA2):c.1243_1244insCAAT (p.His415fs)

Gene: BRCA2 (BRCA2 DNA repair associated; plus strand). Cytogenetic location: 13q13.1.
Variant type: Insertion.
Coding change: c.1243_1244insCAAT on transcript NM_000059.4 (MANE Select); coding-DNA positions 1243 to 1244, CAAT inserted.
Protein change: p.His415fs; shifts the reading frame from histidine 415.
Molecular consequence: frameshift variant.
Genome position: GRCh38 VCF-style: chr13-32332721-C-CCAAT. GRCh37 (hg19) VCF-style: chr13-32906858-C-CCAAT.
Other names: short protein forms H415fs.
Identifiers: ClinVar variation 964948 (VCV000964948.8), dbSNP rs2072407464, ClinGen allele CA1139663105.

ClinVar aggregate classification (germline): Pathogenic (1 of 4 stars; one submission).

Conditions:
Hereditary breast ovarian cancer syndrome. Also called: BRCA1- and BRCA2-Associated Hereditary Breast and Ovarian Cancer; Hereditary breast and ovarian cancer; Hereditary breast and/or ovarian cancer syndrome; Hereditary breast and ovarian cancer syndrome; Hereditary breast and ovarian cancer syndrome (HBOC); Breast and ovarian cancer. Identifiers: Orphanet 145, MedGen C0677776, MeSH D061325, MONDO:0003582. Disease mechanism: loss of function.

Submission:

Labcorp Genetics (formerly Invitae), Labcorp
Classification: Pathogenic for Hereditary breast ovarian cancer syndrome. Last evaluated: 2019-10-25. Review status: criteria provided, single submitter. Criteria: Invitae Variant Classification Sherloc (09022015). Collection method: clinical testing. Allele origin: germline.
Comment: For these reasons, this variant has been classified as Pathogenic. Loss-of-function variants in BRCA2 are known to be pathogenic (PMID: 20104584). This variant has not been reported in the literature in individuals with BRCA2-related conditions. This variant is not present in population databases (ExAC no frequency). This sequence change creates a premature translational stop signal (p.His415Profs*7) in the BRCA2 gene. It is expected to result in an absent or disrupted protein product.

Literature cited by the submitters: PubMed 20104584.